The following is an entry in ClinVar:

NM_015215.4(CAMTA1):c.1938G>A (p.Thr646=)

Gene: CAMTA1 (calmodulin binding transcription activator 1; plus strand). Cytogenetic location: 1p36.23.
Variant type: single nucleotide variant.
Coding change: c.1938G>A on transcript NM_015215.4 (MANE Select); coding-DNA position 1938, G replaced by A.
Protein change: p.Thr646=; no amino-acid change (threonine 646 retained).
Molecular consequence: synonymous variant.
Genome position (GRCh38, 1-based): chr1:7,664,485, G>A. VCF-style: chr1-7664485-G-A. GRCh37 (hg19) VCF-style: chr1-7724545-G-A.
Other names: c.1848G>A, p.Thr616= (NM_001349608.2, NM_001349612.2); c.1938G>A, p.Thr646= (NM_001349609.2, NM_001349610.2, NM_001410737.1); c.1866G>A, p.Thr622= (NM_001410738.1).
Identifiers: ClinVar variation 3025930 (VCV003025930.25), dbSNP rs142993717, ClinGen allele CA566534.

ClinVar aggregate classification (germline): Benign/Likely benign. Review status: criteria provided, multiple submitters, no conflicts (2 of 4 stars). 3 submissions from 3 submitters: Benign (1); Likely benign (2). Last evaluated 2025-06-09.

gnomAD v4.1: 17 of 1,613,190 alleles (0.0011%); highest among the groups gnomAD compares: Middle Eastern, 0.016%; no homozygotes.

Submissions (3):

Labcorp Genetics (formerly Invitae), Labcorp
Classification: Likely benign. Last evaluated: 2025-06-09. Review status: criteria provided, single submitter. Criteria: Invitae Variant Classification Sherloc (09022015). Collection method: clinical testing. Allele origin: germline.

Laboratory of Genetics, Children's Clinical University Hospital Latvia
Classification: Benign. Last evaluated: 2025-02-16. Review status: criteria provided, single submitter. Criteria: ACMG Guidelines, 2015. Collection method: clinical testing. Allele origin: germline. Affected: yes.

CeGaT Center for Human Genetics Tuebingen
Classification: Likely benign. Last evaluated: 2024-02-01. Review status: criteria provided, single submitter. Criteria: CeGaT Center For Human Genetics Tuebingen Variant Classification Criteria Version 2. Collection method: clinical testing. Allele origin: germline. Affected: yes. Observed: 1 variant allele.
Comment: CAMTA1: BP4, BP7